The following is an entry in ClinVar:

ClinVar aggregate classification (germline): Benign (1 of 4 stars; one submission).

Allele frequency attached by ClinVar (database versions not stated): 1000 Genomes Project 30x 0.00328; ESP Exome Variant Server 0.00356; 1000 Genomes Project 0.00359; gnomAD 0.00686; ExAC 0.01274.
gnomAD v4.1: 15,036 of 1,589,052 alleles (0.95%); highest among the groups gnomAD compares: Non-Finnish European, 1.1%; 113 homozygotes.

Submission:

CeGaT Center for Human Genetics Tuebingen
Classification: Benign. Last evaluated: 2023-05-01. Review status: criteria provided, single submitter. Criteria: CeGaT Center For Human Genetics Tuebingen Variant Classification Criteria Version 2. Collection method: clinical testing. Allele origin: germline. Affected: yes. Observed: 5 variant alleles.
Comment: DPH1: BS1, BS2; ENSG00000287553: BS1, BS2

NM_001383.6(DPH1):c.1227+33C>G

Gene: DPH1 (diphthamide biosynthesis 1; plus strand). Cytogenetic location: 17p13.3.
Variant type: single nucleotide variant.
Coding change: c.1227+33C>G on transcript NM_001383.6 (MANE Select); 33 bases into the intron after coding-DNA position 1227, C replaced by G.
Molecular consequence: intron variant.
Genome position (GRCh38, 1-based): chr17:2,041,654, C>G. VCF-style: chr17-2041654-C-G. GRCh37 (hg19) VCF-style: chr17-1944948-C-G.
Other names: c.1179+33C>G (NM_001346574.1); c.1146+33C>G (NM_001346575.1); c.822+33C>G (NM_001346576.2).
Identifiers: ClinVar variation 2498686 (VCV002498686.27), dbSNP rs117243219, ClinGen allele CA8277322.
Genomic context (GRCh38, chr17:2,041,654, plus strand): 5'-CGCCCCGGGCCGGCCCGCGCGGGGGAAGGTAGGCGGGGGCTTCCAGGAGGGAGGAGAGAC[C>G]GCGCCTGGGCACTGGCCGCCGCCCTGCGACCGCGACGGGAAACGCACAGGAGCGGAGCGG-3'